The following is an entry in ClinVar:

NC_012920.1(MT-CYB):m.15791A>G

Gene: MT-CYB (mitochondrially encoded cytochrome b; plus strand).
Variant type: single nucleotide variant.
Genome position: chrM-15791-A-G.
Identifiers: ClinVar variation 693954 (VCV000693954.1), dbSNP rs1556424666, ClinGen allele CA913174848.

ClinVar aggregate classification (germline): Likely benign (1 of 4 stars; one submission).

Conditions:
Leigh syndrome (NULS). Also called: Leigh's necrotizing encephalopathy; Leigh's disease; Leigh's syndrome; LEIGH SYNDROME, NUCLEAR; Leigh Syndrome (mtDNA deletion); Leigh Disease. Identifiers: Orphanet 506, MedGen C2931891, MONDO:0009723, OMIM 256000.

Submission:

Wong Mito Lab, Molecular and Human Genetics, Baylor College of Medicine
Classification: Likely benign for Leigh syndrome. Last evaluated: 2019-10-17. Review status: criteria provided, single submitter. Criteria: Modified ACMG Guidelines (Unpublished). Collection method: clinical testing. Allele origin: germline.
Comment: The NC_012920.1:m.15791A>G (YP_003024038.1:p.Ile349Val) variant in MTCYB gene is interpretated to be a Likely Benign variant based on the modified ACMG guidelines (unpublished). This variant meets the following evidence codes: BS1, BP4